The following is an entry in ClinVar:

ClinVar aggregate classification (germline): Uncertain significance (1 of 4 stars; one submission).

Submission:

Labcorp Genetics (formerly Invitae), Labcorp
Classification: Uncertain significance. Last evaluated: 2022-07-03. Review status: criteria provided, single submitter. Criteria: Invitae Variant Classification Sherloc (09022015). Collection method: clinical testing. Allele origin: germline.
Comment: In summary, the available evidence is currently insufficient to determine the role of this variant in disease. Therefore, it has been classified as a Variant of Uncertain Significance. Algorithms developed to predict the effect of missense changes on protein structure and function are either unavailable or do not agree on the potential impact of this missense change (SIFT: "Deleterious"; PolyPhen-2: "Possibly Damaging"; Align-GVGD: "Class C0"). This variant has not been reported in the literature in individuals affected with SLC25A42-related conditions. This variant is not present in population databases (gnomAD no frequency). This sequence change replaces glycine, which is neutral and non-polar, with cysteine, which is neutral and slightly polar, at codon 2 of the SLC25A42 protein (p.Gly2Cys).

NM_178526.5(SLC25A42):c.4G>T (p.Gly2Cys)

Gene: SLC25A42 (solute carrier family 25 member 42; plus strand). Cytogenetic location: 19p13.11.
Variant type: single nucleotide variant.
Coding change: c.4G>T on transcript NM_178526.5 (MANE Select); coding-DNA position 4, G replaced by T.
Protein change: p.Gly2Cys; replaces glycine 2 with cysteine.
Molecular consequence: missense variant.
Genome position (GRCh38, 1-based): chr19:19,096,128, G>T. VCF-style: chr19-19096128-G-T. GRCh37 (hg19) VCF-style: chr19-19206937-G-T.
Other names: c.4G>T, p.Gly2Cys (NM_001321544.2); short protein forms G2C.
Identifiers: ClinVar variation 2013735 (VCV002013735.4), dbSNP rs2059763705, ClinGen allele CA404886447.